The following is an entry in ClinVar:

NM_001101362.3(KBTBD13):c.742C>T (p.Arg248Cys)

Gene: KBTBD13 (kelch repeat and BTB domain containing 13; plus strand). Cytogenetic location: 15q22.31.
Variant type: single nucleotide variant.
Coding change: c.742C>T on transcript NM_001101362.3 (MANE Select); coding-DNA position 742, C replaced by T.
Protein change: p.Arg248Cys; replaces arginine 248 with cysteine.
Molecular consequence: missense variant.
Genome position (GRCh38, 1-based): chr15:65,077,557, C>T. VCF-style: chr15-65077557-C-T. GRCh37 (hg19) VCF-style: chr15-65369895-C-T.
Other names: p.Arg248Cys; short protein forms R248C.
Identifiers: ClinVar variation 316744 (VCV000316744.36), dbSNP rs200549195, ClinGen allele CA7613967.

ClinVar aggregate classification (germline): Conflicting classifications of pathogenicity. Review status: criteria provided, conflicting classifications (1 of 4 stars). 9 submissions from 8 submitters: Uncertain significance (1); Benign (1); Likely benign (4). 3 of the submissions do not count toward it. Last evaluated 2026-09-01.

Conditions:
Nemaline myopathy 6 (NEM6). Also called: Nemaline myopathy 6, autosomal dominant. Identifiers: Orphanet 171439, MedGen C1836472, MONDO:0012237, OMIM 609273.

Allele frequency attached by ClinVar (database versions not stated): 1000 Genomes Project 30x 0.00031; ESP Exome Variant Server 0.00034; TOPMed 0.00066.
gnomAD v4.1: 1,621 of 1,549,924 alleles (0.1%); highest among the groups gnomAD compares: Non-Finnish European, 0.13%; 3 homozygotes.

Submissions (9):

CeGaT Center for Human Genetics Tuebingen
Classification: Likely benign. Last evaluated: 2026-09-01. Review status: criteria provided, single submitter. Criteria: CeGaT Center For Human Genetics Tuebingen Variant Classification Criteria Version 2. Collection method: clinical testing. Allele origin: germline. Affected: yes. Observed: 3 variant alleles.
Comment: KBTBD13: PM5, PP3, BS1, BS2

Labcorp Genetics (formerly Invitae), Labcorp
Classification: Likely benign for Nemaline myopathy 6. Last evaluated: 2026-01-22. Review status: criteria provided, single submitter. Criteria: Invitae Variant Classification Sherloc (09022015). Collection method: clinical testing. Allele origin: germline.

Mayo Clinic Laboratories, Mayo Clinic
Classification: Likely benign. Last evaluated: 2025-07-23. Review status: criteria provided, single submitter. Criteria: ACMG Guidelines, 2015. Collection method: clinical testing. Allele origin: germline. Observed: 1 variant allele.
Comment: BS2

Women's Health and Genetics/Laboratory Corporation of America, LabCorp
Classification: Uncertain significance. Last evaluated: 2024-07-26. Review status: criteria provided, single submitter. Criteria: LabCorp Variant Classification Summary - May 2015. Collection method: clinical testing. Allele origin: germline.
Comment: Variant summary: KBTBD13 c.742C>T (p.Arg248Cys) results in a non-conservative amino acid change in the encoded protein sequence. Five of five in-silico tools predict a damaging effect of the variant on protein function. The variant allele was found at a frequency of 0.00041 in 153572 control chromosomes. This frequency does not allow conclusions about variant significance, although it seems high for an autosomal dominant disease. c.742C>T has been reported in the literature in individuals reportedly affected with features of Nemaline Myopathy 6 (Bouman_2021, Westra_2019). These report(s) do not provide unequivocal conclusions about association of the variant with Nemaline Myopathy 6. To our knowledge, no experimental evidence demonstrating an impact on protein function has been reported. The following publications have been ascertained in the context of this evaluation (PMID: 31127727, 33693846). ClinVar contains an entry for this variant (Variation ID: 316744). Based on the evidence outlined above, the variant was classified as uncertain significance.

GeneDx
Classification: Benign. Last evaluated: 2018-11-12. Review status: criteria provided, single submitter. Criteria: GeneDx Variant Classification Process June 2021. Collection method: clinical testing. Allele origin: germline. Affected: yes.
Comment: This variant is associated with the following publications: (PMID: 31127727)

Illumina Laboratory Services, Illumina
Classification: Likely benign for Nemaline myopathy 6. Last evaluated: 2017-04-27. Review status: criteria provided, single submitter. Criteria: ICSL Variant Classification Criteria 13 December 2019. Collection method: clinical testing. Allele origin: germline.
Comment: This variant was observed as part of a predisposition screen in an ostensibly healthy population. A literature search was performed for the gene, cDNA change, and amino acid change (where applicable). Publications were found based on this search. The evidence from the literature, in combination with allele frequency data from public databases where available, was sufficient to determine this variant is unlikely to cause disease. Therefore, this variant is classified as likely benign.

Genome Diagnostics Laboratory, Amsterdam University Medical Center
Classification: Uncertain significance. Review status: no assertion criteria provided. Collection method: clinical testing. Allele origin: germline. Affected: yes. Study: VKGL Data-share Consensus. Not counted in ClinVar's aggregate classification.

Joint Genome Diagnostic Labs from Nijmegen and Maastricht, Radboudumc and MUMC+
Classification: Uncertain significance. Review status: no assertion criteria provided. Collection method: clinical testing. Allele origin: germline. Affected: yes. Study: VKGL Data-share Consensus. Not counted in ClinVar's aggregate classification.

GeneDx
Classification: Uncertain significance. Last evaluated: 2016-03-25. Review status: flagged submission. Criteria: GeneDx Variant Classification (06012015). Collection method: clinical testing. Allele origin: germline. Affected: yes. Not counted in ClinVar's aggregate classification.
Comment: A variant of uncertain significance has been identified in the KBTBD13 gene. The R248C variant has not been published as a pathogenic variant, nor has it been reported as a benign variant to our knowledge. The R248C variant was not observed with any significant frequency in approximately 5,800 individuals of European and African American ancestry in the NHLBI Exome Sequencing Project. The R248C variant is a non-conservative amino acid substitution, which is likely to impact secondary protein structure as these residues differ in polarity, charge, size and/or other properties. Additionally, this substitution occurs at a position that is conserved across species, and in silico analysis predicts this variant is probably damaging to the protein structure/function. A missense variant at the same position (R248S) has been reported in the Human Gene Mutation Database in association with nemaline myopathy type 6 (Stenson et al., 2014; Sambuughin et al., 2010). Therefore, based on the currently available information, it is unclear whether this variant is a pathogenic variant or a rare benign variant.
ClinVar note: Reason: This record appears to be redundant with a more recent record from the same submitter.
ClinVar note: Notes: SCV000490573 appears to be redundant with SCV001936467.

Literature cited by the submitters: PubMed 31127727 (cited by Mayo Clinic Laboratories, Mayo Clinic and Women's Health and Genetics/Laboratory Corporation of America, LabCorp); PubMed 39240645 (cited by Mayo Clinic Laboratories, Mayo Clinic); PubMed 33693846 (cited by Women's Health and Genetics/Laboratory Corporation of America, LabCorp); PubMed 21109227 (cited by Illumina Laboratory Services, Illumina).